The following is an entry in ClinVar:

ClinVar aggregate classification (germline): Uncertain significance (1 of 4 stars; one submission).

Conditions:
Desbuquois dysplasia 1 (DBQD1). Also called: DESBUQUOIS DYSPLASIA 1, KIM VARIANT; MICROMELIC DWARFISM WITH VERTEBRAL AND METAPHYSEAL ABNORMALITIES AND ADVANCED CARPOTARSAL OSSIFICATION. Identifiers: Orphanet 1425, MedGen C4012146, MONDO:0009629, OMIM 251450.

Allele frequency attached by ClinVar (database versions not stated): gnomAD exomes below 0.00001; gnomAD 0.00001.
gnomAD v4.1: 4 of 1,607,172 alleles (0.00025%); highest among the groups gnomAD compares: African/African-American, 0.004%; no homozygotes.

Submission:

Labcorp Genetics (formerly Invitae), Labcorp
Classification: Uncertain significance for Desbuquois dysplasia 1. Last evaluated: 2025-06-20. Review status: criteria provided, single submitter. Criteria: Invitae Variant Classification Sherloc (09022015). Collection method: clinical testing. Allele origin: germline.
Comment: This sequence change replaces serine, which is neutral and polar, with phenylalanine, which is neutral and non-polar, at codon 139 of the XYLT1 protein (p.Ser139Phe). This variant is present in population databases (no rsID available, gnomAD 0.004%). This variant has not been reported in the literature in individuals affected with XYLT1-related conditions. ClinVar contains an entry for this variant (Variation ID: 860901). An algorithm developed to predict the effect of missense changes on protein structure and function (PolyPhen-2) suggests that this variant is likely to be disruptive. In summary, the available evidence is currently insufficient to determine the role of this variant in disease. Therefore, it has been classified as a Variant of Uncertain Significance.

NM_022166.4(XYLT1):c.416C>T (p.Ser139Phe)

Genes: XYLT1 (xylosyltransferase 1; minus strand), LOC130058566 (ATAC-STARR-seq lymphoblastoid active region 10505; plus strand). Cytogenetic location: 16p12.3.
Variant type: single nucleotide variant.
Coding change: c.416C>T on transcript NM_022166.4 (MANE Select); coding-DNA position 416, C replaced by T.
Protein change: p.Ser139Phe; replaces serine 139 with phenylalanine.
Molecular consequence: missense variant.
Genome position (GRCh38, 1-based): chr16:17,259,485, G>A on the plus strand (C>T on the coding strand, the complement: XYLT1 is on the minus strand). VCF-style: chr16-17259485-G-A. GRCh37 (hg19) VCF-style: chr16-17353342-G-A.
Other names: short protein forms S139F.
Identifiers: ClinVar variation 860901 (VCV000860901.8), dbSNP rs1251084213, ClinGen allele CA394893085.